The following is an entry in ClinVar:

ClinVar aggregate classification (germline): Likely pathogenic (1 of 4 stars; one submission).

Conditions:
Niemann-Pick disease, type C1. Also called: NEUROVISCERAL STORAGE DISEASE WITH VERTICAL SUPRANUCLEAR OPHTHALMOPLEGIA; NIEMANN-PICK DISEASE WITH CHOLESTEROL ESTERIFICATION BLOCK; NIEMANN-PICK DISEASE WITHOUT SPHINGOMYELINASE DEFICIENCY; NIEMANN-PICK DISEASE, CHRONIC NEURONOPATHIC FORM; NIEMANN-PICK DISEASE, VARIANT TYPE C1. Identifiers: Orphanet 646, MedGen C3179455, MONDO:0009757, OMIM 257220.

Submission:

Victorian Clinical Genetics Services, Murdoch Childrens Research Institute
Classification: Likely pathogenic for Niemann-Pick disease, type C1. Last evaluated: 2024-09-20. Review status: criteria provided, single submitter. Criteria: ACMG Guidelines, 2015. Collection method: clinical testing. Allele origin: germline. Inheritance: Autosomal recessive inheritance. Affected: yes.
Comment: Based on the classification scheme VCGS_Germline_v1.3.4, this variant is classified as Likely pathogenic. Following criteria are met: 0102 - Loss of function is a known mechanism of disease in this gene and is associated with type C1 Niemann-Pick disease (MIM#257220) and type D Niemann-Pick disease (MIM#257220). (I) 0106 - This gene is associated with autosomal recessive disease. (I) 0115 - Variants in this gene are known to have variable expressivity. Phenotypic variability has been observed amongst individuals carrying the same pathogenic variant (PMID: 32138288). (I) 0200 - Variant is predicted to result in a missense amino acid change from proline to arginine. (I) 0251 - This variant is heterozygous. (I) 0301 - Variant is absent from gnomAD (both v2 and v3). (SP) 0309 - Multiple alternative amino acid changes at the same position have been observed in gnomAD (v2) (highest allele count: 5 heterozygotes, 0 homozygotes). (I) 0501 - Missense variant consistently predicted to be damaging by multiple in silico tools or highly conserved with a major amino acid change. (SP) 0604 - Variant is not located in an established domain, motif, hotspot or informative constraint region. (I) 0710 - Another missense variant comparable to the one identified in this case has inconclusive previous evidence for pathogenicity. An alternative change, p.(Pro540Ser) has been reported as VUS in ClinVar. (I) 0809 - Previous evidence of pathogenicity for this variant is inconclusive. This variant has been reported in an individual with type C Niemann-Pick disease who also has a heterozygous missense variant in NPC1 (Rajapakshe, I. et al. (2019) poster abstract from the World Congress of Neurology (WCN 2019)). (I) 0905 - No published segregation evidence has been identified for this variant. (I) 1007 - No published functional evidence has been identified for this variant. (I) 1102 - Strong phenotype match for this individual. (SP) 1201 - Heterozygous variant detected in trans with a pathogenic heterozygous variant (NM_000271.4:c.3182T>C) in a recessive disease. (I) Legend: (SP) - Supporting pathogenic, (I) - Information, (SB) - Supporting benign

Literature cited by the submitters: PubMed 32138288.

NM_000271.5(NPC1):c.1619C>G (p.Pro540Arg)

Gene: NPC1 (NPC intracellular cholesterol transporter 1; minus strand). Cytogenetic location: 18q11.2.
Variant type: single nucleotide variant.
Coding change: c.1619C>G on transcript NM_000271.5 (MANE Select); coding-DNA position 1619, C replaced by G.
Protein change: p.Pro540Arg; replaces proline 540 with arginine.
Molecular consequence: missense variant.
Genome position (GRCh38, 1-based): chr18:23,551,662, G>C on the plus strand (C>G on the coding strand, the complement: NPC1 is on the minus strand). VCF-style: chr18-23551662-G-C. GRCh37 (hg19) VCF-style: chr18-21131626-G-C.
Other names: short protein forms P540R.
Identifiers: ClinVar variation 3254684 (VCV003254684.2), dbSNP rs1300893995.